The following is an entry in ClinVar:

NM_002303.6(LEPR):c.1880A>G (p.Asn627Ser)

Gene: LEPR (leptin receptor; plus strand). Cytogenetic location: 1p31.3.
Variant type: single nucleotide variant.
Coding change: c.1880A>G on transcript NM_002303.6 (MANE Select); coding-DNA position 1880, A replaced by G.
Protein change: p.Asn627Ser; replaces asparagine 627 with serine.
Molecular consequence: missense variant.
Genome position (GRCh38, 1-based): chr1:65,610,074, A>G. VCF-style: chr1-65610074-A-G. GRCh37 (hg19) VCF-style: chr1-66075757-A-G.
Other names: c.1880A>G, p.Asn627Ser (NM_001003679.3, NM_001003680.3, NM_001198687.2 and 2 more transcripts); short protein forms N627S.
Identifiers: ClinVar variation 4996124 (VCV004996124.1).

ClinVar aggregate classification (germline): Uncertain significance (1 of 4 stars; one submission).

Conditions:
LEPR-related disorder. Also called: LEPR-related condition; LEPR-related disorders.

gnomAD v4.1: 1 of 1,614,224 alleles (0.000062%); highest among the groups gnomAD compares: Non-Finnish European, 0.000085%; no homozygotes.

Submission:

PreventionGenetics, part of Exact Sciences
Classification: Uncertain significance for LEPR-related condition. Last evaluated: 2025-08-31. Review status: criteria provided, single submitter. Criteria: ACMG Guidelines, 2015. Collection method: clinical testing. Allele origin: germline.
Comment: The LEPR c.1880A>G variant is predicted to result in the amino acid substitution p.Asn627Ser. To our knowledge, this variant has not been reported in the literature or in a large population database (gnomAD), indicating this variant is rare. In vitro functional studies on this variant showed function similar to wild-type levels (Supplemental Data Set, Shah et al. 2023. PubMed ID: 36864747). At this time, the clinical significance of this variant is uncertain due to the absence of conclusive functional and genetic evidence.